The following is an entry in ClinVar:

ClinVar aggregate classification (germline): Likely benign (1 of 4 stars; one submission).

Submission:

CeGaT Center for Human Genetics Tuebingen
Classification: Likely benign. Last evaluated: 2026-07-01. Review status: criteria provided, single submitter. Criteria: CeGaT Center For Human Genetics Tuebingen Variant Classification Criteria Version 2. Collection method: clinical testing. Allele origin: germline. Affected: yes. Observed: 1 variant allele.
Comment: AHNAK2: BP4, BP7

NM_138420.4(AHNAK2):c.12270T>C (p.Pro4090=)

Gene: AHNAK2 (AHNAK nucleoprotein 2; minus strand). Cytogenetic location: 14q32.33.
Variant type: single nucleotide variant.
Coding change: c.12270T>C on transcript NM_138420.4 (MANE Select); coding-DNA position 12270, T replaced by C.
Protein change: p.Pro4090=; no amino-acid change (proline 4090 retained).
Molecular consequence: synonymous variant.
Genome position (GRCh38, 1-based): chr14:104,943,181, A>G on the plus strand (T>C on the coding strand, the complement: AHNAK2 is on the minus strand). VCF-style: chr14-104943181-A-G. GRCh37 (hg19) VCF-style: chr14-105409518-A-G.
Other names: c.11970T>C, p.Pro3990= (NM_001350929.2).
Identifiers: ClinVar variation 5038720 (VCV005038720.1).